The following is an entry in ClinVar:

NM_000051.4(ATM):c.1837G>A (p.Val613Met)

Gene: ATM (ATM serine/threonine kinase; plus strand). Cytogenetic location: 11q22.3.
Variant type: single nucleotide variant.
Coding change: c.1837G>A on transcript NM_000051.4 (MANE Select); coding-DNA position 1837, G replaced by A.
Protein change: p.Val613Met; replaces valine 613 with methionine.
Molecular consequence: missense variant.
Genome position (GRCh38, 1-based): chr11:108,252,851, G>A. VCF-style: chr11-108252851-G-A. GRCh37 (hg19) VCF-style: chr11-108123578-G-A.
Other names: c.1837G>A, p.Val613Met (NM_001351834.2); short protein forms V613M.
Identifiers: ClinVar variation 1171406 (VCV001171406.9), dbSNP rs200124136, ClinGen allele CA382535816.
Genomic context (GRCh38, chr11:108,252,851, plus strand): 5'-GTGAAGCTTTTTGTTTTTCTTTGTAGTAATTTTCCTCATCTTGTACTGGAGAAAATTCTT[G>A]TGAGTCTCACTATGAAAAACTGTAAAGCTGCAATGAATTTTTTCCAAAGCGTGCCAGAAT-3'
Protein context (NP_000042.3, residues 603-623): FPHLVLEKIL[Val613Met]SLTMKNCKAA

ClinVar aggregate classification (germline): Uncertain significance. Review status: criteria provided, multiple submitters, no conflicts (2 of 4 stars). 3 submissions from 3 submitters: Uncertain significance (3). Last evaluated 2025-11-11.

Conditions:
Hereditary cancer-predisposing syndrome. Also called: Hereditary neoplastic syndrome; Neoplastic Syndromes, Hereditary; Hereditary Cancer Syndrome; Tumor predisposition. Identifiers: Orphanet 140162, MedGen C0027672, MeSH D009386, MONDO:0015356.
Ataxia-telangiectasia syndrome (AT). Also called: Ataxia telangiectasia (A-T); ATAXIA-TELANGIECTASIA, COMPLEMENTATION GROUP A; ATAXIA-TELANGIECTASIA, FRESNO VARIANT; Ataxia-telangiectasia, complementation group D; AT, COMPLEMENTATION GROUP C; Ataxia-telangiectasia, complementation group E. Identifiers: Orphanet 100, MedGen C0004135, MONDO:0008840, OMIM 208900.

gnomAD v4.1: 1 of 1,612,934 alleles (0.000062%); highest among the groups gnomAD compares: South Asian, 0.0011%; no homozygotes.

Submissions (3):

Labcorp Genetics (formerly Invitae), Labcorp
Classification: Uncertain significance for Ataxia-telangiectasia syndrome. Last evaluated: 2025-11-11. Review status: criteria provided, single submitter. Criteria: Invitae Variant Classification Sherloc (09022015). Collection method: clinical testing. Allele origin: germline.
Comment: This sequence change replaces valine, which is neutral and non-polar, with methionine, which is neutral and non-polar, at codon 613 of the ATM protein (p.Val613Met). This variant is not present in population databases (gnomAD no frequency). This variant has not been reported in the literature in individuals affected with ATM-related conditions. ClinVar contains an entry for this variant (Variation ID: 1171406). Invitae Evidence Modeling of protein sequence and biophysical properties (such as structural, functional, and spatial information, amino acid conservation, physicochemical variation, residue mobility, and thermodynamic stability) has been performed for this missense variant. However, the output from this modeling did not meet the statistical confidence thresholds required to predict the impact of this variant on ATM protein function. In summary, the available evidence is currently insufficient to determine the role of this variant in disease. Therefore, it has been classified as a Variant of Uncertain Significance.

Ambry Genetics
Classification: Uncertain significance for Hereditary cancer-predisposing syndrome. Last evaluated: 2025-05-13. Review status: criteria provided, single submitter. Criteria: Ambry Variant Classification Scheme 2023. Collection method: clinical testing. Allele origin: germline.
Comment: The p.V613M variant (also known as c.1837G>A), located in coding exon 11 of the ATM gene, results from a G to A substitution at nucleotide position 1837. The valine at codon 613 is replaced by methionine, an amino acid with highly similar properties. This amino acid position is highly conserved in available vertebrate species. In addition, the in silico prediction for this alteration is inconclusive. Based on the available evidence, the clinical significance of this variant remains unclear.

Color Diagnostics, LLC DBA Color Health
Classification: Uncertain significance for Hereditary cancer-predisposing syndrome. Last evaluated: 2020-05-26. Review status: criteria provided, single submitter. Criteria: ACMG Guidelines, 2015. Collection method: clinical testing. Allele origin: germline.
Comment: This missense variant replaces valine with methionine at codon 613 of the ATM protein. Computational prediction suggests that this variant may not impact protein structure and function (internally defined REVEL score threshold <= 0.5, PMID: 27666373). To our knowledge, functional studies have not been reported for this variant. This variant has not been reported in individuals affected with hereditary cancer in the literature. This variant has not been identified in the general population by the Genome Aggregation Database (gnomAD). The available evidence is insufficient to determine the role of this variant in disease conclusively. Therefore, this variant is classified as a Variant of Uncertain Significance.